The following is an entry in ClinVar:

NM_014264.5(PLK4):c.780G>A (p.Leu260=)

Gene: PLK4 (polo like kinase 4; plus strand). Cytogenetic location: 4q28.1.
Variant type: single nucleotide variant.
Coding change: c.780G>A on transcript NM_014264.5 (MANE Select); coding-DNA position 780, G replaced by A.
Protein change: p.Leu260=; no amino-acid change (leucine 260 retained).
Molecular consequence: synonymous variant.
Genome position (GRCh38, 1-based): chr4:127,886,150, G>A. VCF-style: chr4-127886150-G-A. GRCh37 (hg19) VCF-style: chr4-128807305-G-A.
Other names: c.684G>A, p.Leu228= (NM_001190799.2); c.657G>A, p.Leu219= (NM_001190801.2); c.780G>A (NM_014264.4).
Identifiers: ClinVar variation 1149926 (VCV001149926.15), dbSNP rs61735391, ClinGen allele CA3076632.
Genomic context (GRCh38, chr4:127,886,150, plus strand): 5'-CCTTATTCACCAGTTACTTCGTAGAAATCCAGCAGATCGTTTAAGTCTGTCTTCAGTATT[G>A]GACCATCCTTTTATGTCCCGAAATTCTTCAACAAAAAGTAAAGATTTAGGAACTGTGGAA-3'
Protein context (NP_055079.3, residues 250-270): PADRLSLSSV[Leu260=]DHPFMSRNSS

ClinVar aggregate classification (germline): Likely benign. Review status: criteria provided, multiple submitters, no conflicts (2 of 4 stars). 4 submissions from 4 submitters: Likely benign (3). 1 of the submissions does not count toward it. Last evaluated 2026-03-01.

Conditions:
PLK4-related disorder. Also called: PLK4-related condition.

Allele frequency attached by ClinVar (database versions not stated): gnomAD exomes 0.00010; ExAC 0.00013; 1000 Genomes Project 30x 0.00016; 1000 Genomes Project 0.00020; ESP Exome Variant Server 0.00046; gnomAD 0.00048 and 0.00053; TOPMed 0.00063.
gnomAD v4.1: 143 of 1,613,942 alleles (0.0089%); highest among the groups gnomAD compares: African/African-American, 0.16%; no homozygotes.

Submissions (5):

CeGaT Center for Human Genetics Tuebingen
Classification: Likely benign. Last evaluated: 2026-03-01. Review status: criteria provided, single submitter. Criteria: CeGaT Center For Human Genetics Tuebingen Variant Classification Criteria Version 2. Collection method: clinical testing. Allele origin: germline. Affected: yes. Observed: 1 variant allele.
Comment: PLK4: BP4, BP7

Labcorp Genetics (formerly Invitae), Labcorp
Classification: Likely benign. Last evaluated: 2026-01-15. Review status: criteria provided, single submitter. Criteria: Invitae Variant Classification Sherloc (09022015). Collection method: clinical testing. Allele origin: germline.

Blueprint Genetics
Classification: Likely benign. Last evaluated: 2024-11-13. Review status: criteria provided, single submitter. Criteria: ACMG Guidelines, 2015. Collection method: clinical testing. Allele origin: germline.

PreventionGenetics, part of Exact Sciences
Classification: Likely benign for PLK4-related condition. Last evaluated: 2019-08-07. Review status: no assertion criteria provided. Collection method: clinical testing. Allele origin: germline. Not counted in ClinVar's aggregate classification.
Comment: This variant is classified as likely benign based on ACMG/AMP sequence variant interpretation guidelines (Richards et al. 2015 PMID: 25741868, with internal and published modifications).

Dr. Peter K. Rogan Lab, Western University
No classification provided (evidence only). Condition: Uterine corpus endometrial carcinoma. Review status: no classification provided. Collection method: in vitro. Allele origin: not applicable. Functional consequence: retained intron. Not counted in ClinVar's aggregate classification.